The following is an entry in ClinVar:

ClinVar aggregate classification (germline): Uncertain significance. Review status: criteria provided, multiple submitters, no conflicts (2 of 4 stars). 3 submissions from 3 submitters: Uncertain significance (3). Last evaluated 2024-12-16.

Conditions:
Hereditary cancer-predisposing syndrome. Also called: Neoplastic Syndromes, Hereditary; Tumor predisposition; Hereditary Cancer Syndrome; Hereditary neoplastic syndrome. Identifiers: Orphanet 140162, MedGen C0027672, MeSH D009386, MONDO:0015356.
Familial adenomatous polyposis 1 (FAP1). Also called: FAMILIAL ADENOMATOUS POLYPOSIS 1, ATTENUATED; POLYPOSIS, ADENOMATOUS INTESTINAL. Identifiers: MedGen C2713442, MONDO:0021056, OMIM 175100. Disease mechanism: loss of function.

Allele frequency attached by ClinVar (database versions not stated): TOPMed below 0.00001.

Submissions (3):

Color Diagnostics, LLC DBA Color Health
Classification: Uncertain significance for Hereditary cancer-predisposing syndrome. Last evaluated: 2024-12-16. Review status: criteria provided, single submitter. Criteria: ACMG Guidelines, 2015. Collection method: clinical testing. Allele origin: germline.
Comment: This missense variant replaces glutamine with lysine at codon 541 of the APC protein. Computational prediction suggests that this variant may not impact protein structure and function (internally defined REVEL score threshold <= 0.5, PMID: 27666373). To our knowledge, functional studies have not been reported for this variant. This variant has not been reported in individuals affected with APC-related disorders in the literature. This variant has not been identified in the general population by the Genome Aggregation Database (gnomAD). The available evidence is insufficient to determine the role of this variant in disease conclusively. Therefore, this variant is classified as a Variant of Uncertain Significance.

Ambry Genetics
Classification: Uncertain significance for Hereditary cancer-predisposing syndrome. Last evaluated: 2024-07-11. Review status: criteria provided, single submitter. Criteria: Ambry Variant Classification Scheme 2023. Collection method: clinical testing. Allele origin: germline.
Comment: The p.Q541K variant (also known as c.1621C>A), located in coding exon 12 of the APC gene, results from a C to A substitution at nucleotide position 1621. The glutamine at codon 541 is replaced by lysine, an amino acid with similar properties. This amino acid position is conserved. In addition, in silico predictors for this gene do not accurately predict pathogenicity. Based on the available evidence, the clinical significance of this variant remains unclear.

Labcorp Genetics (formerly Invitae), Labcorp
Classification: Uncertain significance for Familial adenomatous polyposis 1. Last evaluated: 2024-06-06. Review status: criteria provided, single submitter. Criteria: Invitae Variant Classification Sherloc (09022015). Collection method: clinical testing. Allele origin: germline.
Comment: This sequence change replaces glutamine, which is neutral and polar, with lysine, which is basic and polar, at codon 541 of the APC protein (p.Gln541Lys). This variant is not present in population databases (gnomAD no frequency). This variant has not been reported in the literature in individuals affected with APC-related conditions. ClinVar contains an entry for this variant (Variation ID: 922657). Advanced modeling of protein sequence and biophysical properties (such as structural, functional, and spatial information, amino acid conservation, physicochemical variation, residue mobility, and thermodynamic stability) performed at Invitae indicates that this missense variant is not expected to disrupt APC protein function with a negative predictive value of 95%. In summary, the available evidence is currently insufficient to determine the role of this variant in disease. Therefore, it has been classified as a Variant of Uncertain Significance.

NM_000038.6(APC):c.1621C>A (p.Gln541Lys)

Gene: APC (APC regulator of Wnt signaling pathway; plus strand). Cytogenetic location: 5q22.2.
Variant type: single nucleotide variant.
Coding change: c.1621C>A on transcript NM_000038.6 (MANE Select); coding-DNA position 1621, C replaced by A.
Protein change: p.Gln541Lys; replaces glutamine 541 with lysine.
Molecular consequence: missense variant.
Genome position (GRCh38, 1-based): chr5:112,828,001, C>A. VCF-style: chr5-112828001-C-A. GRCh37 (hg19) VCF-style: chr5-112163698-C-A.
Other names: c.1621C>A, p.Gln541Lys (NM_001127510.3, NM_001354895.2); c.1567C>A, p.Gln523Lys (NM_001127511.3); c.1675C>A, p.Gln559Lys (NM_001354896.2); c.1651C>A, p.Gln551Lys (NM_001354897.2); c.1546C>A, p.Gln516Lys (NM_001354898.2); c.1537C>A, p.Gln513Lys (NM_001354899.2); c.1498C>A, p.Gln500Lys (NM_001354900.2); c.1444C>A, p.Gln482Lys (NM_001354901.2); and 5 more; short protein forms Q258K, Q541K, Q559K, Q381K, Q450K, Q482K, Q523K, Q415K.
Identifiers: ClinVar variation 922657 (VCV000922657.13), dbSNP rs137854572, ClinGen allele CA16024847.
Genomic context (GRCh38, chr5:112,828,001, plus strand): 5'-TCTATGAAAGGCTGCATGAGAGCACTTGTGGCCCAACTAAAATCTGAAAGTGAAGACTTA[C>A]AGCAGGTACTATTTAGAATTTCACCTGTTTTTCTTTTTTCTCTTTTTCTTTGAGGCAGGG-3'
Protein context (NP_000029.2, residues 531-551): AQLKSESEDL[Gln541Lys]QVIASVLRNL